The following is an entry in ClinVar:

NM_174934.4(SCN4B):c.235-18A>G

Genes: SCN4B (sodium voltage-gated channel beta subunit 4; minus strand), LOC126861356 (BRD4-independent group 4 enhancer GRCh37_chr11:118014519-118015718; plus strand). Cytogenetic location: 11q23.3.
Variant type: single nucleotide variant.
Coding change: c.235-18A>G on transcript NM_174934.4 (MANE Select); 18 bases into the intron before coding-DNA position 235, A replaced by G.
Molecular consequence: intron variant.
Genome position (GRCh38, 1-based): chr11:118,144,079, T>C on the plus strand (A>G on the coding strand, the complement: SCN4B is on the minus strand). VCF-style: chr11-118144079-T-C. GRCh37 (hg19) VCF-style: chr11-118014794-T-C.
Other names: c.62-2743A>G (NM_001142348.2); c.-96-18A>G (NM_001142349.2).
Identifiers: ClinVar variation 190893 (VCV000190893.9), dbSNP rs758764353, ClinGen allele CA302347.

ClinVar aggregate classification (germline): Conflicting classifications of pathogenicity. Review status: criteria provided, conflicting classifications (1 of 4 stars). 2 submissions from 2 submitters: Uncertain significance (1); Likely benign (1). Last evaluated 2025-11-09.

Conditions:
Long QT syndrome 10 (LQT10). Identifiers: Orphanet 101016, Orphanet 768, MedGen C2678484, MONDO:0012737, OMIM 611819.

Allele frequency attached by ClinVar (database versions not stated): TOPMed 0.00002; ExAC 0.00004; gnomAD 0.00004; gnomAD exomes 0.00004.
gnomAD v4.1: 110 of 1,561,266 alleles (0.007%); highest among the groups gnomAD compares: Non-Finnish European, 0.0087%; no homozygotes.

Submissions (2):

Labcorp Genetics (formerly Invitae), Labcorp
Classification: Uncertain significance for Long QT syndrome 10. Last evaluated: 2025-11-09. Review status: criteria provided, single submitter. Criteria: Invitae Variant Classification Sherloc (09022015). Collection method: clinical testing. Allele origin: germline.
Comment: This sequence change falls in intron 2 of the SCN4B gene. It does not directly change the encoded amino acid sequence of the SCN4B protein. This variant is present in population databases (rs758764353, gnomAD 0.006%). This variant has not been reported in the literature in individuals affected with SCN4B-related conditions. ClinVar contains an entry for this variant (Variation ID: 190893). Algorithms developed to predict the effect of sequence changes on RNA splicing suggest that this variant may create or strengthen a splice site. In summary, the available evidence is currently insufficient to determine the role of this variant in disease. Therefore, it has been classified as a Variant of Uncertain Significance.

GeneDx
Classification: Likely benign. Last evaluated: 2015-12-23. Review status: criteria provided, single submitter. Criteria: GeneDx Variant Classification (06012015). Collection method: clinical testing. Allele origin: germline. Affected: yes.
Comment: This variant is considered likely benign or benign based on one or more of the following criteria: it is a conservative change, it occurs at a poorly conserved position in the protein, it is predicted to be benign by multiple in silico algorithms, and/or has population frequency not consistent with disease.